The following is an entry in ClinVar:

ClinVar aggregate classification (germline): Uncertain significance. Review status: criteria provided, multiple submitters, no conflicts (2 of 4 stars). 2 submissions from 2 submitters: Uncertain significance (2). Last evaluated 2026-02-01.

Conditions:
Inborn genetic diseases. Identifiers: MedGen C0950123, MeSH D030342.

Allele frequency attached by ClinVar (database versions not stated): TOPMed 0.00005; gnomAD exomes 0.00003; gnomAD 0.00001; ExAC 0.00010.
gnomAD v4.1: 47 of 1,613,668 alleles (0.0029%); highest among the groups gnomAD compares: Admixed American, 0.05%; no homozygotes.

Submissions (2):

Labcorp Genetics (formerly Invitae), Labcorp
Classification: Uncertain significance. Last evaluated: 2026-02-01. Review status: criteria provided, single submitter. Criteria: Invitae Variant Classification Sherloc (09022015). Collection method: clinical testing. Allele origin: germline.
Comment: This sequence change replaces valine, which is neutral and non-polar, with isoleucine, which is neutral and non-polar, at codon 418 of the NLRP1 protein (p.Val418Ile). This variant is present in population databases (rs764488446, gnomAD 0.08%). This variant has not been reported in the literature in individuals affected with NLRP1-related conditions. ClinVar contains an entry for this variant (Variation ID: 2007129). An algorithm developed to predict the effect of missense changes on protein structure and function outputs the following: PolyPhen-2: "Benign". The isoleucine amino acid residue is found in multiple mammalian species, which suggests that this missense change does not adversely affect protein function. In summary, the available evidence is currently insufficient to determine the role of this variant in disease. Therefore, it has been classified as a Variant of Uncertain Significance.

Ambry Genetics
Classification: Uncertain significance for Inborn genetic diseases. Last evaluated: 2024-10-12. Review status: criteria provided, single submitter. Criteria: Ambry Variant Classification Scheme 2023. Collection method: clinical testing. Allele origin: germline.

NM_033004.4(NLRP1):c.1252G>A (p.Val418Ile)

Gene: NLRP1 (NLR family pyrin domain containing 1; minus strand). Cytogenetic location: 17p13.2.
Variant type: single nucleotide variant.
Coding change: c.1252G>A on transcript NM_033004.4 (MANE Select); coding-DNA position 1252, G replaced by A.
Protein change: p.Val418Ile; replaces valine 418 with isoleucine.
Molecular consequence: missense variant.
Genome position (GRCh38, 1-based): chr17:5,559,444, C>T on the plus strand (G>A on the coding strand, the complement: NLRP1 is on the minus strand). VCF-style: chr17-5559444-C-T. GRCh37 (hg19) VCF-style: chr17-5462764-C-T.
Other names: c.1252G>A (NM_033004.3); c.1252G>A, p.Val418Ile (NM_001033053.3, NM_014922.5, NM_033006.4 and 1 more transcripts); short protein forms V418I.
Identifiers: ClinVar variation 2007129 (VCV002007129.5), dbSNP rs764488446, ClinGen allele CA8327396.